The following is an entry in ClinVar:

ClinVar aggregate classification (germline): Likely benign (1 of 4 stars; one submission).

Allele frequency attached by ClinVar (database versions not stated): 1000 Genomes Project 0.00060; 1000 Genomes Project 30x 0.00062.
gnomAD v4.1: 98 of 397,364 alleles (0.025%); highest among the groups gnomAD compares: African/African-American, 0.15%; no homozygotes.

Submission:

CeGaT Center for Human Genetics Tuebingen
Classification: Likely benign. Last evaluated: 2023-11-01. Review status: criteria provided, single submitter. Criteria: CeGaT Center For Human Genetics Tuebingen Variant Classification Criteria Version 2. Collection method: clinical testing. Allele origin: germline. Affected: yes. Observed: 2 variant alleles.
Comment: KCNQ1OT1: BS1

NM_000218.3(KCNQ1):c.1393+22468C>A

Genes: KCNQ1 (potassium voltage-gated channel subfamily Q member 1; plus strand), KCNQ1OT1 (KCNQ1 opposite strand/antisense transcript 1; minus strand). Cytogenetic location: 11p15.5.
Variant type: single nucleotide variant.
Coding change: c.1393+22468C>A on transcript NM_000218.3 (MANE Select); 22468 bases into the intron after coding-DNA position 1393, C replaced by A.
Molecular consequence: intron variant. On other transcripts: non-coding transcript variant (1).
Genome position (GRCh38, 1-based): chr11:2,611,322, C>A. VCF-style: chr11-2611322-C-A. GRCh37 (hg19) VCF-style: chr11-2632552-C-A.
Other names: c.1123+22468C>A (NM_001406837.1); c.1297+22468C>A (NM_001406836.1); c.853+22468C>A (NM_001406838.1); c.1012+22468C>A (NM_181798.2).
Identifiers: ClinVar variation 2641366 (VCV002641366.24), dbSNP rs191118119, ClinGen allele CA216356817.